The following is an entry in ClinVar:

ClinVar aggregate classification (germline): Benign/Likely benign. Review status: criteria provided, multiple submitters, no conflicts (2 of 4 stars). 6 submissions from 6 submitters: Benign (1); Likely benign (5). Last evaluated 2026-02-02.

Conditions:
Pheochromocytoma/paraganglioma syndrome 5. Also called: Paragangliomas 5; SDHA-Related Hereditary Paraganglioma-Pheochromocytoma Syndrome. Identifiers: Orphanet 29072, MedGen C3279992, MONDO:0013602, OMIM 614165.
SDHA-related disorder. Also called: SDHA-related disorders; SDHA-related condition.
Hereditary cancer-predisposing syndrome. Also called: Hereditary neoplastic syndrome; Tumor predisposition; Neoplastic Syndromes, Hereditary; Hereditary Cancer Syndrome. Identifiers: Orphanet 140162, MedGen C0027672, MeSH D009386, MONDO:0015356.
Mitochondrial complex II deficiency, nuclear type 1. Also called: SUCCINATE CoQ REDUCTASE DEFICIENCY. Identifiers: Orphanet 3208, MedGen C5700310, MONDO:0100294, OMIM 252011.

Allele frequency attached by ClinVar (database versions not stated): ExAC below 0.00001; gnomAD exomes below 0.00001; gnomAD 0.00001.

Submissions (6):

Labcorp Genetics (formerly Invitae), Labcorp
Classification: Likely benign for Pheochromocytoma/paraganglioma syndrome 5; Mitochondrial complex II deficiency, nuclear type 1. Last evaluated: 2026-02-02. Review status: criteria provided, single submitter. Criteria: Invitae Variant Classification Sherloc (09022015). Collection method: clinical testing. Allele origin: germline.

PreventionGenetics, part of Exact Sciences
Classification: Likely benign for SDHA-related condition. Last evaluated: 2025-11-04. Review status: criteria provided, single submitter. Criteria: ACMG Guidelines, 2015. Collection method: clinical testing. Allele origin: germline.
Comment: This variant is classified as likely benign based on ACMG/AMP sequence variant interpretation guidelines (Richards et al. 2015 PMID: 25741868, with internal and published modifications).

CeGaT Center for Human Genetics Tuebingen
Classification: Likely benign. Last evaluated: 2025-10-01. Review status: criteria provided, single submitter. Criteria: CeGaT Center For Human Genetics Tuebingen Variant Classification Criteria Version 2. Collection method: clinical testing. Allele origin: germline. Affected: yes. Observed: 2 variant alleles.
Comment: SDHA: BP4, BP7

Myriad Genetics, Inc.
Classification: Benign for Pheochromocytoma/paraganglioma syndrome 5. Last evaluated: 2025-03-11. Review status: criteria provided, single submitter. Criteria: Myriad Autosomal Dominant, Autosomal Recessive and X-Linked Classification Criteria (2023). Collection method: clinical testing. Allele origin: unknown.
Comment: This variant is considered benign. This variant is a silent/synonymous amino acid change and it is not expected to impact splicing.

Sema4
Classification: Likely benign for Hereditary cancer-predisposing syndrome. Last evaluated: 2020-12-17. Review status: criteria provided, single submitter. Criteria: Sema4 Curation Guidelines. Collection method: curation. Allele origin: germline.

Ambry Genetics
Classification: Likely benign for Hereditary cancer-predisposing syndrome. Last evaluated: 2019-12-30. Review status: criteria provided, single submitter. Criteria: Ambry Variant Classification Scheme 2023. Collection method: clinical testing. Allele origin: germline.

NM_004168.4(SDHA):c.1968C>T (p.Thr656=)

Gene: SDHA (succinate dehydrogenase complex flavoprotein subunit A; plus strand). Cytogenetic location: 5p15.33.
Variant type: single nucleotide variant.
Coding change: c.1968C>T on transcript NM_004168.4 (MANE Select); coding-DNA position 1968, C replaced by T.
Protein change: p.Thr656=; no amino-acid change (threonine 656 retained).
Molecular consequence: synonymous variant.
Genome position (GRCh38, 1-based): chr5:256,393, C>T. VCF-style: chr5-256393-C-T. GRCh37 (hg19) VCF-style: chr5-256508-C-T.
Other names: c.1824C>T, p.Thr608= (NM_001294332.2); c.1725C>T, p.Thr575= (NM_001330758.2).
Identifiers: ClinVar variation 472378 (VCV000472378.40), dbSNP rs3211499, ClinGen allele CA3173472.